The following is an entry in ClinVar:

ClinVar aggregate classification (germline): Uncertain significance (1 of 4 stars; one submission).

Allele frequency attached by ClinVar (database versions not stated): TOPMed below 0.00001; gnomAD exomes below 0.00001; ExAC 0.00001.

Submission:

Labcorp Genetics (formerly Invitae), Labcorp
Classification: Uncertain significance. Last evaluated: 2022-07-19. Review status: criteria provided, single submitter. Criteria: Invitae Variant Classification Sherloc (09022015). Collection method: clinical testing. Allele origin: germline.
Comment: This sequence change replaces glycine, which is neutral and non-polar, with serine, which is neutral and polar, at codon 257 of the EFL1 protein (p.Gly257Ser). This variant is present in population databases (rs755150472, gnomAD 0.0009%). This variant has not been reported in the literature in individuals affected with EFL1-related conditions. ClinVar contains an entry for this variant (Variation ID: 1418099). Algorithms developed to predict the effect of missense changes on protein structure and function are either unavailable or do not agree on the potential impact of this missense change (SIFT: "Tolerated"; PolyPhen-2: "Probably Damaging"; Align-GVGD: "Class C0"). In summary, the available evidence is currently insufficient to determine the role of this variant in disease. Therefore, it has been classified as a Variant of Uncertain Significance.

NM_024580.6(EFL1):c.769G>A (p.Gly257Ser)

Gene: EFL1 (elongation factor like GTPase 1; minus strand). Cytogenetic location: 15q25.2.
Variant type: single nucleotide variant.
Coding change: c.769G>A on transcript NM_024580.6 (MANE Select); coding-DNA position 769, G replaced by A.
Protein change: p.Gly257Ser; replaces glycine 257 with serine.
Molecular consequence: missense variant. On other transcripts: 5 prime UTR variant (1), non-coding transcript variant (1).
Genome position (GRCh38, 1-based): chr15:82,230,934, C>T on the plus strand (G>A on the coding strand, the complement: EFL1 is on the minus strand). VCF-style: chr15-82230934-C-T. GRCh37 (hg19) VCF-style: chr15-82523275-C-T.
Other names: c.616G>A, p.Gly206Ser (NM_001040610.3); c.-21G>A (NM_001322844.2); c.769G>A, p.Gly257Ser (NM_001322845.2); short protein forms G257S, G206S.
Identifiers: ClinVar variation 1418099 (VCV001418099.5), dbSNP rs755150472, ClinGen allele CA7698195.